The following is an entry in ClinVar:

ClinVar aggregate classification (germline): Benign. Review status: criteria provided, single submitter (1 of 4 stars). 3 submissions from 1 submitter: Benign (3). Last evaluated 2018-01-13.

Conditions:
Pallister-Hall syndrome (PHS). Also called: HYPOTHALAMIC HAMARTOBLASTOMA, HYPOPITUITARISM, IMPERFORATE ANUS, AND POSTAXIAL POLYDACTYLY; GLI3-Related Pallister-Hall Syndrome. Identifiers: Orphanet 672, MedGen C0265220, MONDO:0007804, OMIM 146510.
Greig cephalopolysyndactyly syndrome (GCPS). Also called: Greig syndrome; POLYSYNDACTYLY WITH PECULIAR SKULL SHAPE; GLI3-Related Greig Cephalopolysyndactyly Syndrome. Identifiers: Orphanet 380, MedGen C0265306, MONDO:0008287, OMIM 175700.
Polydactyly. Also called: polydactylism. Identifiers: MedGen C0152427, MONDO:0021003, OMIM 603596, HP:0010442.

Allele frequency attached by ClinVar (database versions not stated): gnomAD 0.00265 and 0.00276; TOPMed 0.00305; 1000 Genomes Project 0.00379; 1000 Genomes Project 30x 0.00390.

Submissions (3):

Illumina Laboratory Services, Illumina
Classification: Benign for Polydactyly. Last evaluated: 2018-01-13. Review status: criteria provided, single submitter. Criteria: ICSL Variant Classification Criteria 13 December 2019. Collection method: clinical testing. Allele origin: germline.
Comment: This variant was observed in the ICSL laboratory as part of a predisposition screen in an ostensibly healthy population. It had not been previously curated by ICSL or reported in the Human Gene Mutation Database (HGMD: prior to June 1st, 2018), and was therefore a candidate for classification through an automated scoring system. Utilizing variant allele frequency, disease prevalence and penetrance estimates, and inheritance mode, an automated score was calculated to assess if this variant is too frequent to cause the disease. Based on the score and internal cut-off values, a variant classified as benign is not then subjected to further curation. The score for this variant resulted in a classification of benign for this disease.

Illumina Laboratory Services, Illumina
Classification: Benign for Pallister-Hall syndrome. Last evaluated: 2018-01-13. Review status: criteria provided, single submitter. Criteria: ICSL Variant Classification Criteria 13 December 2019. Collection method: clinical testing. Allele origin: germline.
Comment: the same text as in the submission from Illumina Laboratory Services, Illumina above.

Illumina Laboratory Services, Illumina
Classification: Benign for Greig cephalopolysyndactyly syndrome. Last evaluated: 2018-01-13. Review status: criteria provided, single submitter. Criteria: ICSL Variant Classification Criteria 13 December 2019. Collection method: clinical testing. Allele origin: germline.
Comment: the same text as in the submission from Illumina Laboratory Services, Illumina above.

NM_000168.6(GLI3):c.*603A>G

Gene: GLI3 (GLI family zinc finger 3; minus strand). Cytogenetic location: 7p14.1.
Variant type: single nucleotide variant.
Coding change: c.*603A>G on transcript NM_000168.6 (MANE Select); 603 bases downstream of the stop codon, A replaced by G.
Molecular consequence: 3 prime UTR variant.
Genome position (GRCh38, 1-based): chr7:41,963,727, T>C on the plus strand (A>G on the coding strand, the complement: GLI3 is on the minus strand). VCF-style: chr7-41963727-T-C. GRCh37 (hg19) VCF-style: chr7-42003325-T-C.
Identifiers: ClinVar variation 910522 (VCV000910522.4), dbSNP rs182121145, ClinGen allele CA156900559.